The following is an entry in ClinVar:

NM_000353.3(TAT):c.401A>G (p.Glu134Gly)

Gene: TAT (tyrosine aminotransferase; minus strand). Cytogenetic location: 16q22.2.
Variant type: single nucleotide variant.
Coding change: c.401A>G on transcript NM_000353.3 (MANE Select); coding-DNA position 401, A replaced by G.
Protein change: p.Glu134Gly; replaces glutamic acid 134 with glycine.
Molecular consequence: missense variant.
Genome position (GRCh38, 1-based): chr16:71,573,546, T>C on the plus strand (A>G on the coding strand, the complement: TAT is on the minus strand). VCF-style: chr16-71573546-T-C. GRCh37 (hg19) VCF-style: chr16-71607449-T-C.
Other names: short protein forms E134G.
Identifiers: ClinVar variation 937454 (VCV000937454.6), dbSNP rs1194073307, ClinGen allele CA396653488.

ClinVar aggregate classification (germline): Uncertain significance (1 of 4 stars; one submission).

Conditions:
Tyrosinemia type II (TYRSN2). Also called: OREGON TYPE TYROSINEMIA; TAT DEFICIENCY; TYROSINE AMINOTRANSFERASE DEFICIENCY; TYROSINE TRANSAMINASE DEFICIENCY; KERATOSIS PALMOPLANTARIS WITH CORNEAL DYSTROPHY. Identifiers: Orphanet 28378, MedGen C0268487, MONDO:0010160, OMIM 276600.

Allele frequency attached by ClinVar (database versions not stated): gnomAD exomes below 0.00001 and 0.00001; gnomAD 0.00002; TOPMed 0.00005.
gnomAD v4.1: 6 of 1,553,814 alleles (0.00039%); highest among the groups gnomAD compares: African/African-American, 0.0082%; no homozygotes.

Submission:

Labcorp Genetics (formerly Invitae), Labcorp
Classification: Uncertain significance for Tyrosinemia type II. Last evaluated: 2025-07-28. Review status: criteria provided, single submitter. Criteria: Invitae Variant Classification Sherloc (09022015). Collection method: clinical testing. Allele origin: germline.
Comment: This sequence change replaces glutamic acid, which is acidic and polar, with glycine, which is neutral and non-polar, at codon 134 of the TAT protein (p.Glu134Gly). This variant is present in population databases (no rsID available, gnomAD 0.02%). This variant has not been reported in the literature in individuals affected with TAT-related conditions. ClinVar contains an entry for this variant (Variation ID: 937454). Invitae Evidence Modeling of protein sequence and biophysical properties (such as structural, functional, and spatial information, amino acid conservation, physicochemical variation, residue mobility, and thermodynamic stability) indicates that this missense variant is not expected to disrupt TAT protein function with a negative predictive value of 80%. In summary, the available evidence is currently insufficient to determine the role of this variant in disease. Therefore, it has been classified as a Variant of Uncertain Significance.